The following is an entry in ClinVar:

NM_015627.3(LDLRAP1):c.235A>G (p.Lys79Glu)

Gene: LDLRAP1 (low density lipoprotein receptor adaptor protein 1; plus strand). Cytogenetic location: 1p36.11.
Variant type: single nucleotide variant.
Coding change: c.235A>G on transcript NM_015627.3 (MANE Select); coding-DNA position 235, A replaced by G.
Protein change: p.Lys79Glu; replaces lysine 79 with glutamic acid.
Molecular consequence: missense variant.
Genome position (GRCh38, 1-based): chr1:25,554,863, A>G. VCF-style: chr1-25554863-A-G. GRCh37 (hg19) VCF-style: chr1-25881354-A-G.
Other names: short protein forms K79E.
Identifiers: ClinVar variation 568256 (VCV000568256.9), dbSNP rs1557700990, ClinGen allele CA339077896.

ClinVar aggregate classification (germline): Uncertain significance (1 of 4 stars; one submission).

Conditions:
Hypercholesterolemia, familial, 4 (FHCL4). Also called: HYPERCHOLESTEROLEMIA, AUTOSOMAL RECESSIVE, 1; HYPERCHOLESTEROLEMIA, AUTOSOMAL RECESSIVE, 2. Identifiers: Orphanet 391665, MedGen C1863512, MONDO:0011374, OMIM 603813.

Submission:

Labcorp Genetics (formerly Invitae), Labcorp
Classification: Uncertain significance for Hypercholesterolemia, familial, 4. Last evaluated: 2018-01-13. Review status: criteria provided, single submitter. Criteria: Invitae Variant Classification Sherloc (09022015). Collection method: clinical testing. Allele origin: germline.
Comment: This variant is not present in population databases (ExAC no frequency). This sequence change replaces lysine with glutamic acid at codon 79 of the LDLRAP1 protein (p.Lys79Glu). The lysine residue is highly conserved and there is a small physicochemical difference between lysine and glutamic acid. This variant has not been reported in the literature in individuals with LDLRAP1-related disease. In summary, the available evidence is currently insufficient to determine the role of this variant in disease. Therefore, it has been classified as a Variant of Uncertain Significance. Algorithms developed to predict the effect of missense changes on protein structure and function do not agree on the potential impact of this missense change (SIFT: "Tolerated"; PolyPhen-2: "Possibly Damaging"; Align-GVGD: "Class C0").